The following is an entry in ClinVar:

ClinVar aggregate classification (germline): Uncertain significance (1 of 4 stars; one submission).

Submission:

GeneDx
Classification: Uncertain significance. Last evaluated: 2023-07-25. Review status: criteria provided, single submitter. Criteria: GeneDx Variant Classification Process June 2021. Collection method: clinical testing. Allele origin: germline. Affected: yes.
Comment: Not observed at significant frequency in large population cohorts (gnomAD); In silico analysis supports that this missense variant does not alter protein structure/function; Has not been previously published as pathogenic or benign to our knowledge

NM_020937.4(FANCM):c.4866A>C (p.Glu1622Asp)

Gene: FANCM (FA complementation group M; plus strand). Cytogenetic location: 14q21.2.
Variant type: single nucleotide variant.
Coding change: c.4866A>C on transcript NM_020937.4 (MANE Select); coding-DNA position 4866, A replaced by C.
Protein change: p.Glu1622Asp; replaces glutamic acid 1622 with aspartic acid.
Molecular consequence: missense variant.
Genome position (GRCh38, 1-based): chr14:45,188,888, A>C. VCF-style: chr14-45188888-A-C. GRCh37 (hg19) VCF-style: chr14-45658091-A-C.
Other names: c.4788A>C, p.Glu1596Asp (NM_001308133.2); short protein forms E1596D, E1622D.
Identifiers: ClinVar variation 3361646 (VCV003361646.1).